The following is an entry in ClinVar:

ClinVar aggregate classification (germline): Pathogenic (1 of 4 stars; one submission).

Conditions:
Polycystic kidney disease, adult type (PKD1). Also called: Polycystic Kidney Disease 1, Autosomal Dominant; Polycystic kidney disease 1; Polycystic kidney disease 1, severe; POLYCYSTIC KIDNEY DISEASE, ADULT, TYPE I; Polycystic Kidney, Autosomal Dominant; POLYCYSTIC KIDNEY DISEASE 1 WITH OR WITHOUT POLYCYSTIC LIVER DISEASE. Identifiers: MedGen C3149841, MONDO:0008263, OMIM 173900.

Submission:

Victorian Clinical Genetics Services, Murdoch Childrens Research Institute
Classification: Pathogenic for Polycystic kidney disease, adult type. Last evaluated: 2026-05-26. Review status: criteria provided, single submitter. Criteria: ACMG Guidelines, 2015. Collection method: clinical testing. Allele origin: germline. Affected: yes.
Comment: This variant is classified as Pathogenic. Evidence in support of pathogenic classification: Variant is predicted to cause nonsense-mediated decay (NMD) and loss of protein (premature termination codon is located at least 54 nucleotides upstream of the final exon-exon junction); Variant is absent from gnomAD (v2, v3 and v4); Other NMD-predicted variant(s) comparable to the one identified in this case have very strong previous evidence for pathogenicity (DECIPHER). Additional information: This variant is heterozygous; This gene is associated with autosomal dominant disease. Polycystic kidney disease 1 (MIM#173900) is predominantly caused by monoallelic variants, with rare reports of biallelic variants causing disease (OMIM); Loss of function is a known mechanism of disease in this gene and is associated with polycystic kidney disease 1 (MIM#173900); Inheritance information for this variant is not currently available in this individual.

NM_001009944.3(PKD1):c.729del (p.Cys244fs)

Gene: PKD1 (polycystin 1, transient receptor potential channel interacting; minus strand). Cytogenetic location: 16p13.3.
Variant type: Deletion.
Coding change: c.729del on transcript NM_001009944.3 (MANE Select); coding-DNA position 729, one base deleted (C; older notation c.729delC).
Protein change: p.Cys244fs; shifts the reading frame from cysteine 244.
Molecular consequence: frameshift variant.
Genome position (GRCh38, 1-based): chr16:2,118,263, G deleted on the plus strand (C on the coding strand, the reverse complement: PKD1 is on the minus strand); the first of 2 consecutive G bases (chr16:2,118,263-2,118,264); deleting either gives the same sequence. VCF-style (leftmost placement, unchanged base first): chr16-2118262-AG-A. GRCh37 (hg19) VCF-style: chr16-2168263-AG-A.
Other names: c.729del, p.Cys244fs (NM_000296.4); short protein forms C244fs.
Identifiers: ClinVar variation 4879628 (VCV004879628.1).
Genomic context (GRCh38, chr16:2,118,262, plus strand): 5'-GGGTGGGGCCCCTACAGGTGGGGGCAGGAGGTGGCGGGGGGCCGGAGCAGAGGGACAGGC[AG>A]GCAAAGGAGGCACTGGAGGGCTGGGCCGCCCCACACAGGCACCAGCCCTGCTCCGAGAGG-3'